The following continues an entry in ClinVar:

NM_000219.6(KCNE1):c.226G>A (p.Asp76Asn)

Gene: KCNE1. ClinVar aggregate classification (germline): Conflicting classifications of pathogenicity. Pathogenic (11); Likely pathogenic (13); Uncertain significance (1).

Submissions 19 to 34 of 34:

Laboratory for Molecular Medicine, Mass General Brigham Personalized Medicine
Classification: Likely pathogenic for Jervell and Lange-Nielsen syndrome. Last evaluated: 2018-07-13. Review status: criteria provided, single submitter. Criteria: LMM Criteria. Collection method: clinical testing. Allele origin: germline. Inheritance: Autosomal recessive inheritance. Observed: 3 variant alleles.
Comment: The p.Asp76Asn variant in KCNE1 (ClinVar variation ID# 13477) has been reported in the heterozygous state in at least 18 individuals with Long QT syndrome (LQTS ; Splawski 1997, Duggal 1998, Tester 2005, Tester 2006, Kapplinger 2009, Christi ansen 2014, Weeke 2014, Li 2015) as well as one affected relative (Splawski 1997 ). This variant has also been identified in 14/126618 European chromosomes by th e Genome Aggregation Database (GnomAD). This f requency is high given the prevalence of LQTS (Orphanet: ~1/2,500 individuals) a nd genetic heterogeneity of the disease but does not rule out pathogenicity as L QTS is known to have clinical variability and reduced penetrance. A pathogenic role is supported by two families with Jervell and Lange-Nielsen syndrome (JLNS) , which includes prolonged QT as one of several features. In one family, the va riant was present in the compound heterozygous state in three affected siblings (Schulze-Bar 1997). I the other family, the proband was homozygous for the p.As p76Asn variant and two heterozygous family members were reported to have LQTS (D uggal 1998). In vitro functional studies provide some evidence that the p.Asp76A sn variant may impact protein function (Splawski 1997, Kurokawa 2003, Seebohm 20 08, Haitin 2009, Chen 2009, Du 2013). However, these types of assays may not acc urately represent biological function. In vivo studies in guinea-pigs have shown that this variant affects cardiac repolarization in myocytes (Hoppe 2001). Comp utational prediction tools and conservation analysis do not provide strong suppo rt for or against an impact to the protein. In summary, this variant meets crite ria to be classified as likely pathogenic for LQTS in an autosomal dominant mann er and for JLNS in an autosomal recessive manner based upon segregation studies and functional evidence. ACMG/AMP Criteria applied: ACMG/AMP criteria applied: P M3, PS3_Moderate, PP1_Moderate.

Laboratory for Molecular Medicine, Mass General Brigham Personalized Medicine
Classification: Likely pathogenic for Familial long QT syndrome. Last evaluated: 2018-07-13. Review status: criteria provided, single submitter. Criteria: LMM Criteria. Collection method: clinical testing. Allele origin: germline. Inheritance: Autosomal dominant inheritance. Observed: 3 variant alleles.
Comment: the same text as in the submission from Laboratory for Molecular Medicine, Mass General Brigham Personalized Medicine above.

Human Genome Sequencing Center Clinical Lab, Baylor College of Medicine
Classification: Likely pathogenic for Long QT syndrome 5. Last evaluated: 2017-10-16. Review status: criteria provided, single submitter. Criteria: ACMG Guidelines, 2015. Collection method: clinical testing. Allele origin: germline.
Comment: This c.226G>A (p.Asp76Asn) variant in the KCNE1 gene has been reported in multiple unrelated individuals with Long QT syndrome (LQTS; PMID: 15840476, 19716085, 24606995) and has been shown in families to segregate with the LQTS phenotype (PMID: 9354802). It has also been reported in the homozygous or compound heterozygous state in individuals with Jervell and Lange-Nielsen syndrome, with some heterozygous family members manifesting features of LQTS (PMID: 9354783, 9445165). The c.226G>A variant is rare in the general population. Functional studies have indicated that the p.Asp76Asn variant KCNE1 protein has altered activity (PMID: 10400998, 10428953, 11874988, 12566567). The c.226G>A (p.Asp76Asn) variant in the KCNE1 gene is classified as likely pathogenic.

CeGaT Center for Human Genetics Tuebingen
Classification: Pathogenic. Last evaluated: 2017-10-01. Review status: criteria provided, single submitter. Criteria: CeGaT Center For Human Genetics Tuebingen Variant Classification Criteria Version 2. Collection method: clinical testing. Allele origin: germline. Affected: yes. Observed: 1 variant allele.

Agnes Ginges Centre for Molecular Cardiology, Centenary Institute
Classification: Uncertain significance for Arrhythmogenic right ventricular cardiomyopathy. Last evaluated: 2017-03-14. Review status: criteria provided, single submitter. Criteria: ACMG Guidelines, 2015. Collection method: research. Allele origin: germline. Inheritance: Autosomal dominant inheritance. Affected: yes.
Comment: The KCNE1 Asp76Asn variant has been reported in several cases of long QT syndrome and was absent from >2000 controls, collectively (Kapplinger JD, et al., 2009; Tester DJ, et al., 2005; Duggal P, et al., 1998; Splawski I, et al., 1997). It has also been reported in 1 case of CPVT (Tester DJ, et al., 2006), 2 cases of Jervell and Lange-Neilson Syndrome (Schulze-Bahr E, et al., 1997; Duggal P, et al., 1998) and 2 cases of sudden cardiac arrest/death (Li MH, et al., 2015). The homozygous case reported in Duggal P et al. (1998) expressed a severe phenotype, compared to the compound heterozygous family in Schulze-Bahr E et al. (1997). The variant is absent from the 1000 genomes project and present at low frequency in the Exome Aggregation Consortium dataset (MAF= 0.000033). This frequency is higher than expected given the absolute rarity of LQT5. After extensive clinical evaluation there are no individuals with a demonstrated prolonged QT, and the variant does not segregate with the phenotype of Brugada/ARVC. Computational tools MutationTaster and PolyPhen-2 predict this variant to be "disease-causing" and "probably damaging" respectively, however SIFT predicts this variant to be "tolerated". Functional studies in frog oocytes have shown that the variant results in functional consequences such as delayed cardiac repolarization and increased risk of arrhythmia's (Splawski I, et al., 1997) and negatively affects the function of potassium channels (Kurokawa J, et al., 2013; Abbott GW and Goldstein SA, 2002). In summary, based on these conflicting interpretations, we classify KCNE1 Asp76Asn as a variant of "uncertain significance".

Molecular Diagnostic Laboratory for Inherited Cardiovascular Disease, Montreal Heart Institute
Classification: Pathogenic for Long QT syndrome. Last evaluated: 2016-12-22. Review status: criteria provided, single submitter. Criteria: ACMG Guidelines, 2015. Collection method: clinical testing. Allele origin: germline. Affected: yes.

Juno Genomics, Hangzhou Juno Genomics, Inc
Classification: Pathogenic for Jervell and Lange-Nielsen syndrome 2; Long QT syndrome 5. Review status: criteria provided, single submitter. Criteria: ACMG Guidelines, 2015. Collection method: clinical testing. Allele origin: germline.
Comment: Absent from controls (or at extremely low frequency if recessive) in Genome Aggregation Database.;The prevalence of the variant in affected individuals is significantly increased compared to the prevalence in controls.;For recessive disorders, detected in trans with a pathogenic variant.;Well-established in vitro or in vivo functional studies supportive of a damaging effect on the gene or gene product.

Clinical Molecular Genetics Laboratory, Johns Hopkins All Children's Hospital
Classification: Likely pathogenic. Last evaluated: 2017-08-01. Review status: no assertion criteria provided. Collection method: clinical testing. Allele origin: germline. Affected: yes. Not counted in ClinVar's aggregate classification.

Division of Human Genetics, Children's Hospital of Philadelphia
Classification: Likely pathogenic for Long QT syndrome-5. Last evaluated: 2015-01-08. Review status: no assertion criteria provided. Collection method: research. Allele origin: paternal. Affected: yes. Study: CSER-PediSeq. Not counted in ClinVar's aggregate classification.
Comment: The heterozygous variant in the KCNE1 gene (c.226G>A; p.Asp76Asn) is considered a likely pathogenic variant. This amino acid position is well conserved and the change is non-conservative while the nucleotide is only moderately conserved. The same change has been seen in 4 individuals of European origin in the ExAC database out of 121246 alleles interrogated at this position. This variant has been initially published by Schulze-Bahr et al (PMID: 9354783) in one family with Jervell and Lange-Nielsen syndrome in 3 affected siblings, it has been published in 9 individuals with Long QT by Kapplinger et al. (PMID: 19716085). Available functional studies in Xenopus laevis oocytes and in Chinese hamster ovaries indicate a reduced function for this variant relative to wild type (PMID: 11874988, 12566567).

CSER _CC_NCGL, University of Washington
Classification: Likely pathogenic for Jervell and Lange-Nielsen syndrome. Last evaluated: 2014-06-01. Review status: no assertion criteria provided. Collection method: research. Allele origin: germline. Inheritance: Autosomal dominant inheritance. Study: ESP 6500 variant annotation. Not counted in ClinVar's aggregate classification.
Comment: Variants classified for the Actionable exomic incidental findings in 6503 participants: challenges of variant classification manuscript

OMIM
Classification: Pathogenic for JERVELL AND LANGE-NIELSEN SYNDROME 2. Last evaluated: 1998-01-20. Review status: no assertion criteria provided. Collection method: literature only. Allele origin: germline. Not counted in ClinVar's aggregate classification.

OMIM
Classification: Pathogenic for LONG QT SYNDROME 5. Last evaluated: 1998-01-20. Review status: no assertion criteria provided. Collection method: literature only. Allele origin: germline. Not counted in ClinVar's aggregate classification.

Cardiovascular Biomedical Research Unit, Royal Brompton & Harefield NHS Foundation Trust
No classification provided. Condition: Familial long QT syndrome. Review status: no classification provided. Collection method: literature only. Allele origin: germline. Not counted in ClinVar's aggregate classification.
Comment: This variant has been reported as associated with Long QT syndrome in the following publications (PMID:9354783;PMID:9354802;PMID:9445165;PMID:15840476;PMID:16818210;PMID:19716085;PMID:9328483;PMID:11874988). This is a literature report, and does not necessarily reflect the clinical interpretation of the Imperial College / Royal Brompton Cardiovascular Genetics laboratory.

Clinical Genetics, Academic Medical Center
Classification: Pathogenic. Review status: no assertion criteria provided. Collection method: clinical testing. Allele origin: germline. Affected: yes. Study: VKGL Data-share Consensus. Not counted in ClinVar's aggregate classification.

Genome Diagnostics Laboratory, University Medical Center Utrecht
Classification: Pathogenic. Review status: no assertion criteria provided. Collection method: clinical testing. Allele origin: germline. Affected: yes. Study: VKGL Data-share Consensus. Not counted in ClinVar's aggregate classification.

Roden Lab, Vanderbilt University Medical Center
No classification provided (evidence only). Condition: Long QT syndrome 5. Review status: no classification provided. Collection method: in vitro. Allele origin: not applicable. Functional consequence: Effect on ion channel function. Not counted in ClinVar's aggregate classification.
ClinVar note: "not provided" was previously submitted as the classification for the variant. However, the classification appeared to be based only on an observation of functional data so it was converted to no classification on 2025-07-30.

Literature cited by the submitters: PubMed 31983240 (cited by Victorian Clinical Genetics Services, Murdoch Childrens Research Institute); PubMed 19340287 (cited by 4 submitters); PubMed 24400172 (cited by 5 submitters); PubMed 35373836 (cited by Victorian Clinical Genetics Services, Murdoch Childrens Research Institute); PubMed 9354802 (cited by 9 submitters); PubMed 31941373 (cited by 3 submitters); PubMed 32058015 (cited by Victorian Clinical Genetics Services, Murdoch Childrens Research Institute and AiLife Diagnostics); PubMed 9354783 (cited by 11 submitters); PubMed 9445165 (cited by 8 submitters); PubMed 19716085 (cited by 9 submitters); PubMed 24561134 (cited by 3 submitters); PubMed 24606995 (cited by 4 submitters); PubMed 10400998 (cited by 3 submitters); PubMed 10428953 (cited by 3 submitters); PubMed 11874988 (cited by 6 submitters); PubMed 12566567 (cited by 8 submitters); PubMed 31835641 (cited by Variantyx, Inc. and AiLife Diagnostics); PubMed 16914890 (cited by Variantyx, Inc.); PubMed 25037568 (cited by Variantyx, Inc.); PubMed 11320260 (cited by 3 submitters); PubMed 15840476 (cited by 6 submitters); PubMed 16818210 (cited by 4 submitters); PubMed 10973849 (cited by Ambry Genetics); PubMed 23124029 (cited by Ambry Genetics); PubMed 23631430 (cited by Ambry Genetics); PubMed 25637381 (cited by Ambry Genetics and AiLife Diagnostics); PubMed 28176637 (cited by Ambry Genetics); PubMed 19521339 (cited by Women's Health and Genetics/Laboratory Corporation of America, LabCorp and Laboratory for Molecular Medicine, Mass General Brigham Personalized Medicine); PubMed 26187847 (cited by 3 submitters); PubMed 31737537 (cited by AiLife Diagnostics); PubMed 30847666 (cited by AiLife Diagnostics); PubMed 32344329 (cited by AiLife Diagnostics); PubMed 31447099 (cited by AiLife Diagnostics); PubMed 19008479 (cited by Laboratory for Molecular Medicine, Mass General Brigham Personalized Medicine); PubMed 23510998 (cited by Agnes Ginges Centre for Molecular Cardiology, Centenary Institute); PubMed 22166941 (cited by Agnes Ginges Centre for Molecular Cardiology, Centenary Institute); PubMed 9328483 (cited by Cardiovascular Biomedical Research Unit, Royal Brompton & Harefield NHS Foundation Trust); PubMed 22581653 (cited by Cardiovascular Biomedical Research Unit, Royal Brompton & Harefield NHS Foundation Trust).